The following is an entry in ClinVar:

NM_000551.4(VHL):c.118C>A (p.Pro40Thr)

Gene: VHL (von Hippel-Lindau tumor suppressor; plus strand). Cytogenetic location: 3p25.3.
Variant type: single nucleotide variant.
Coding change: c.118C>A on transcript NM_000551.4 (MANE Select); coding-DNA position 118, C replaced by A.
Protein change: p.Pro40Thr; replaces proline 40 with threonine.
Molecular consequence: missense variant. On other transcripts: non-coding transcript variant (1).
Genome position (GRCh38, 1-based): chr3:10,141,965, C>A. VCF-style: chr3-10141965-C-A. GRCh37 (hg19) VCF-style: chr3-10183649-C-A.
Other names: c.118C>A, p.Pro40Thr (NM_001354723.2, NM_198156.3); short protein forms P40T.
Identifiers: ClinVar variation 2948859 (VCV002948859.4), dbSNP rs776399733, ClinGen allele CA039380.

ClinVar aggregate classification (germline): Conflicting classifications of pathogenicity. Review status: criteria provided, conflicting classifications (1 of 4 stars). 2 submissions from 2 submitters: Uncertain significance (1); Benign (1). Last evaluated 2025-10-28.

Conditions:
Von Hippel-Lindau syndrome (VHLS). Also called: von Hippel–Lindau syndrome; VHL syndrome; Von Hippel-Lindau. Identifiers: Orphanet 892, MedGen C0019562, MONDO:0008667, OMIM 193300. Disease mechanism: loss of function.
Chuvash polycythemia. Also called: POLYCYTHEMIA, VHL-DEPENDENT. Identifiers: Orphanet 238557, MedGen C1837915, MONDO:0009892, OMIM 263400.
Hereditary cancer-predisposing syndrome. Also called: Hereditary neoplastic syndrome; Neoplastic Syndromes, Hereditary; Tumor predisposition; Hereditary Cancer Syndrome. Identifiers: Orphanet 140162, MedGen C0027672, MeSH D009386, MONDO:0015356.

Allele frequency attached by ClinVar (database versions not stated): ExAC 0.00007.
gnomAD v4.1: 3 of 1,553,930 alleles (0.00019%); highest among the groups gnomAD compares: Non-Finnish European, 0.00026%; no homozygotes.

Submissions (2):

Ambry Genetics
Classification: Benign for Hereditary cancer-predisposing syndrome. Last evaluated: 2025-10-28. Review status: criteria provided, single submitter. Criteria: Ambry Variant Classification Scheme 2023. Collection method: clinical testing. Allele origin: germline.

Labcorp Genetics (formerly Invitae), Labcorp
Classification: Uncertain significance for Von Hippel-Lindau syndrome; Chuvash polycythemia. Last evaluated: 2023-06-15. Review status: criteria provided, single submitter. Criteria: Invitae Variant Classification Sherloc (09022015). Collection method: clinical testing. Allele origin: germline.
Comment: Advanced modeling of protein sequence and biophysical properties (such as structural, functional, and spatial information, amino acid conservation, physicochemical variation, residue mobility, and thermodynamic stability) performed at Invitae indicates that this missense variant is not expected to disrupt VHL protein function. This variant has not been reported in the literature in individuals affected with VHL-related conditions. The frequency data for this variant in the population databases is considered unreliable, as metrics indicate poor data quality at this position in the gnomAD database. This sequence change replaces proline, which is neutral and non-polar, with threonine, which is neutral and polar, at codon 40 of the VHL protein (p.Pro40Thr). In summary, the available evidence is currently insufficient to determine the role of this variant in disease. Therefore, it has been classified as a Variant of Uncertain Significance.